The following is an entry in ClinVar:

ClinVar aggregate classification (germline): Likely benign (0 of 4 stars; one submission).

Conditions:
TNC-related disorder. Also called: TNC-related condition.

Allele frequency attached by ClinVar (database versions not stated): ESP Exome Variant Server 0.00008; TOPMed 0.00008; gnomAD 0.00021; gnomAD exomes 0.00026; ExAC 0.00057; 1000 Genomes Project 30x 0.00109; 1000 Genomes Project 0.00140.
gnomAD v4.1: 407 of 1,614,066 alleles (0.025%); highest among the groups gnomAD compares: South Asian, 0.39%; 6 homozygotes.

Submission:

PreventionGenetics, part of Exact Sciences
Classification: Likely benign for TNC-related condition. Last evaluated: 2024-04-03. Review status: no assertion criteria provided. Collection method: clinical testing. Allele origin: germline.
Comment: This variant is classified as likely benign based on ACMG/AMP sequence variant interpretation guidelines (Richards et al. 2015 PMID: 25741868, with internal and published modifications).

NM_002160.4(TNC):c.4383C>T (p.Thr1461=)

Gene: TNC (tenascin C; minus strand). Cytogenetic location: 9q33.1.
Variant type: single nucleotide variant.
Coding change: c.4383C>T on transcript NM_002160.4 (MANE Select); coding-DNA position 4383, C replaced by T.
Protein change: p.Thr1461=; no amino-acid change (threonine 1461 retained).
Molecular consequence: synonymous variant.
Genome position (GRCh38, 1-based): chr9:115,057,349, G>A on the plus strand (C>T on the coding strand, the complement: TNC is on the minus strand). VCF-style: chr9-115057349-G-A. GRCh37 (hg19) VCF-style: chr9-117819628-G-A.
Other names: c.4110C>T, p.Thr1370= (NM_001410991.1).
Identifiers: ClinVar variation 3046251 (VCV003046251.2), dbSNP rs138726121, ClinGen allele CA5207944.